The following is an entry in ClinVar:

NM_020987.5(ANK3):c.9093T>C (p.Tyr3031=)

Gene: ANK3 (ankyrin 3; minus strand). Cytogenetic location: 10q21.2.
Variant type: single nucleotide variant.
Coding change: c.9093T>C on transcript NM_020987.5 (MANE Select); coding-DNA position 9093, T replaced by C.
Protein change: p.Tyr3031=; no amino-acid change (tyrosine 3031 retained).
Molecular consequence: synonymous variant. On other transcripts: intron variant (4).
Genome position (GRCh38, 1-based): chr10:60,071,788, A>G on the plus strand (T>C on the coding strand, the complement: ANK3 is on the minus strand). VCF-style: chr10-60071788-A-G. GRCh37 (hg19) VCF-style: chr10-61831546-A-G.
Other names: c.4388-3779T>C (NM_001204403.2); c.4409-3779T>C (NM_001204404.2); c.4406-3779T>C (NM_001320874.2); c.1808-3779T>C (NM_001149.4).
Identifiers: ClinVar variation 1601821 (VCV001601821.10), dbSNP rs139232994, ClinGen allele CA5511442.

ClinVar aggregate classification (germline): Likely benign. Review status: criteria provided, multiple submitters, no conflicts (2 of 4 stars). 2 submissions from 2 submitters: Likely benign (2). Last evaluated 2026-04-01.

Allele frequency attached by ClinVar (database versions not stated): ExAC 0.00008; gnomAD exomes 0.00009; 1000 Genomes Project 30x 0.00016; 1000 Genomes Project 0.00020; gnomAD 0.00020 and 0.00022; TOPMed 0.00029; ESP Exome Variant Server 0.00038.
gnomAD v4.1: 81 of 1,607,470 alleles (0.005%); highest among the groups gnomAD compares: African/African-American, 0.076%; no homozygotes.

Submissions (2):

CeGaT Center for Human Genetics Tuebingen
Classification: Likely benign. Last evaluated: 2026-04-01. Review status: criteria provided, single submitter. Criteria: CeGaT Center For Human Genetics Tuebingen Variant Classification Criteria Version 2. Collection method: clinical testing. Allele origin: germline. Affected: yes. Observed: 1 variant allele.
Comment: ANK3: BP4, BP7

Labcorp Genetics (formerly Invitae), Labcorp
Classification: Likely benign. Last evaluated: 2024-09-05. Review status: criteria provided, single submitter. Criteria: Invitae Variant Classification Sherloc (09022015). Collection method: clinical testing. Allele origin: germline.